The following is an entry in ClinVar:

ClinVar aggregate classification (germline): Uncertain significance (1 of 4 stars; one submission).

Conditions:
Short-rib thoracic dysplasia 11 with or without polydactyly (SRTD11). Also called: SHORT-RIB THORACIC DYSPLASIA 11 WITHOUT POLYDACTYLY. Identifiers: Orphanet 474, Orphanet 93271, MedGen C3810200, MONDO:0014287, OMIM 615633.

Submission:

Labcorp Genetics (formerly Invitae), Labcorp
Classification: Uncertain significance for Short-rib thoracic dysplasia 11 with or without polydactyly. Last evaluated: 2022-01-26. Review status: criteria provided, single submitter. Criteria: Invitae Variant Classification Sherloc (09022015). Collection method: clinical testing. Allele origin: germline.
Comment: This sequence change replaces leucine, which is neutral and non-polar, with methionine, which is neutral and non-polar, at codon 431 of the WDR34 protein (p.Leu431Met). This variant is not present in population databases (gnomAD no frequency). This variant has not been reported in the literature in individuals affected with WDR34-related conditions. Algorithms developed to predict the effect of missense changes on protein structure and function are either unavailable or do not agree on the potential impact of this missense change (SIFT: "Deleterious"; PolyPhen-2: "Probably Damaging"; Align-GVGD: "Class C0"). In summary, the available evidence is currently insufficient to determine the role of this variant in disease. Therefore, it has been classified as a Variant of Uncertain Significance.

NM_052844.4(DYNC2I2):c.1291C>A (p.Leu431Met)

Gene: DYNC2I2 (dynein 2 intermediate chain 2; minus strand). Cytogenetic location: 9q34.11.
Variant type: single nucleotide variant.
Coding change: c.1291C>A on transcript NM_052844.4 (MANE Select); coding-DNA position 1291, C replaced by A.
Protein change: p.Leu431Met; replaces leucine 431 with methionine.
Molecular consequence: missense variant.
Genome position (GRCh38, 1-based): chr9:128,634,307, G>T on the plus strand (C>A on the coding strand, the complement: DYNC2I2 is on the minus strand). VCF-style: chr9-128634307-G-T. GRCh37 (hg19) VCF-style: chr9-131396586-G-T.
Other names: short protein forms L431M.
Identifiers: ClinVar variation 2050260 (VCV002050260.1), dbSNP rs1860313931, ClinGen allele CA375109637.